The following is an entry in ClinVar:

ClinVar aggregate classification (germline): Likely benign. Review status: criteria provided, multiple submitters, no conflicts (2 of 4 stars). 2 submissions from 2 submitters: Likely benign (2). Last evaluated 2025-02-05.

Conditions:
CEP290-related disorder. Also called: CEP290-related condition; CEP290-related disorders. Identifiers: MedGen CN239314.
Nephronophthisis. Also called: Juvenile Nephronophthisis. Identifiers: Orphanet 655, MedGen C0687120, MONDO:0019005, HP:0000090.
Joubert syndrome. Also called: JOUBERT-BOLTSHAUSER SYNDROME; Familial aplasia of the vermis. Identifiers: Orphanet 475, MedGen C5979921, MONDO:0018772.
Meckel-Gruber syndrome. Also called: DYSENCEPHALIA SPLANCHNOCYSTICA; GRUBER SYNDROME; Dysencephalia splachnocystica. Identifiers: Orphanet 564, MedGen C0265215, MONDO:0018921.

Allele frequency attached by ClinVar (database versions not stated): TOPMed below 0.00001.

Submissions (2):

PreventionGenetics, part of Exact Sciences
Classification: Likely benign for CEP290-related condition. Last evaluated: 2025-02-05. Review status: criteria provided, single submitter. Criteria: ACMG Guidelines, 2015. Collection method: clinical testing. Allele origin: germline.
Comment: This variant is classified as likely benign based on ACMG/AMP sequence variant interpretation guidelines (Richards et al. 2015 PMID: 25741868, with internal and published modifications).

Labcorp Genetics (formerly Invitae), Labcorp
Classification: Likely benign for Joubert syndrome; Meckel-Gruber syndrome; Nephronophthisis. Last evaluated: 2019-11-22. Review status: criteria provided, single submitter. Criteria: Invitae Variant Classification Sherloc (09022015). Collection method: clinical testing. Allele origin: germline.

NM_025114.4(CEP290):c.6358-7T>C

Gene: CEP290 (centrosomal protein 290; minus strand). Cytogenetic location: 12q21.32.
Variant type: single nucleotide variant.
Coding change: c.6358-7T>C on transcript NM_025114.4 (MANE Select); 7 bases into the intron before coding-DNA position 6358, T replaced by C.
Molecular consequence: intron variant.
Genome position (GRCh38, 1-based): chr12:88,061,001, A>G on the plus strand (T>C on the coding strand, the complement: CEP290 is on the minus strand). VCF-style: chr12-88061001-A-G. GRCh37 (hg19) VCF-style: chr12-88454778-A-G.
Other names: c.6358-7T>C (NM_025114.3).
Identifiers: ClinVar variation 1153776 (VCV001153776.10), dbSNP rs1323070560, ClinGen allele CA693042233.